The following is an entry in ClinVar:

NM_001365951.3(KIF1B):c.2980G>A (p.Ala994Thr)

Gene: KIF1B (kinesin family member 1B; plus strand). Cytogenetic location: 1p36.22.
Variant type: single nucleotide variant.
Coding change: c.2980G>A on transcript NM_001365951.3 (MANE Select); coding-DNA position 2980, G replaced by A.
Protein change: p.Ala994Thr; replaces alanine 994 with threonine.
Molecular consequence: missense variant.
Genome position (GRCh38, 1-based): chr1:10,334,575, G>A. VCF-style: chr1-10334575-G-A. GRCh37 (hg19) VCF-style: chr1-10394633-G-A.
Other names: c.2980G>A, p.Ala994Thr (NM_001365952.1); c.2842G>A, p.Ala948Thr (NM_015074.3); short protein forms A948T, A994T.
Identifiers: ClinVar variation 3534076 (VCV003534076.1).
Genomic context (GRCh38, chr1:10,334,575, plus strand): 5'-TTTAGGGCATTTGTTTACCTGAGCAATCTGCTGTATCCCGTGCCCCTGATCCACAGGGTG[G>A]CCATCGTCAGTGAGAAAGGTGAAGTGCGGGGATTTCTGCGTGTGGCTGTACAGGCCATCG-3'
Protein context (NP_001352880.1, residues 984-1004): LYPVPLIHRV[Ala994Thr]IVSEKGEVRG

ClinVar aggregate classification (germline): Uncertain significance (1 of 4 stars; one submission).

Submission:

Ambry Genetics
Classification: Uncertain significance. Last evaluated: 2024-11-09. Review status: criteria provided, single submitter. Criteria: Ambry Variant Classification Scheme 2023. Collection method: clinical testing. Allele origin: germline.
Comment: The p.A948T variant (also known as c.2842G>A), located in coding exon 25 of the KIF1B gene, results from a G to A substitution at nucleotide position 2842. The alanine at codon 948 is replaced by threonine, an amino acid with similar properties. This amino acid position is conserved. In addition, the in silico prediction for this alteration is inconclusive. Based on the available evidence, the clinical significance of this variant remains unclear.